The following is an entry in ClinVar:

NM_000094.4(COL7A1):c.4127dup (p.Gly1377fs)

Gene: COL7A1 (collagen type VII alpha 1 chain; minus strand). Cytogenetic location: 3p21.31.
Variant type: Duplication.
Coding change: c.4127dup on transcript NM_000094.4 (MANE Select); coding-DNA position 4127, one base duplicated (C; older notation c.4127dupC).
Protein change: p.Gly1377fs; shifts the reading frame from glycine 1377.
Molecular consequence: frameshift variant.
Genome position (GRCh38, 1-based): chr3:48,584,368, G duplicated on the plus strand (C on the coding strand, the reverse complement: COL7A1 is on the minus strand); the first of 6 consecutive G bases (chr3:48,584,368-48,584,373); duplicating any one gives the same sequence. VCF-style (leftmost placement, unchanged base first): chr3-48584367-A-AG. GRCh37 (hg19) VCF-style: chr3-48621800-A-AG.
Other names: short protein forms G1377fs.
Identifiers: ClinVar variation 3643262 (VCV003643262.3).

ClinVar aggregate classification (germline): Pathogenic. Review status: criteria provided, multiple submitters, no conflicts (2 of 4 stars). 2 submissions from 2 submitters: Pathogenic (2). Last evaluated 2026-08-05.

Conditions:
Recessive dystrophic epidermolysis bullosa (RDEB). Also called: DYSTROPHIC EPIDERMOLYSIS BULLOSA, AUTOSOMAL RECESSIVE; EPIDERMOLYSIS BULLOSA DYSTROPHICA, HALLOPEAU-SIEMENS TYPE; Hallopeau-Siemens Disease; Epidermolysis Bullosa Distrophica Autosomal Recessive (RDEB); severe generalized recessive dystrophic epidermolysis bullosa; epidermolysis bullosa dystrophica, autosomal recessive. Identifiers: Orphanet 79408, Orphanet 79409, MedGen C0079474, MONDO:0009179, OMIM 226600.

Submissions (2):

Myriad Genetics, Inc.
Classification: Pathogenic for Recessive dystrophic epidermolysis bullosa. Last evaluated: 2026-08-05. Review status: criteria provided, single submitter. Criteria: Myriad Autosomal Dominant, Autosomal Recessive and X-Linked Classification Criteria (2023). Collection method: clinical testing. Allele origin: unknown.
Comment: NM_000094.3(COL7A1):c.4127dupC(G1377Wfs*25) is expected to be pathogenic in the context of dystrophic epidermolysis bullosa. This variant is predicted to lead to an abnormal or absent protein product due to the creation of a premature termination codon in COL7A1, a gene where loss-of-function variants are known to be pathogenic. Please note: this variant was assessed in the context of healthy population screening.

Labcorp Genetics (formerly Invitae), Labcorp
Classification: Pathogenic. Last evaluated: 2024-03-16. Review status: criteria provided, single submitter. Criteria: Invitae Variant Classification Sherloc (09022015). Collection method: clinical testing. Allele origin: germline.
Comment: This sequence change creates a premature translational stop signal (p.Gly1377Trpfs*25) in the COL7A1 gene. It is expected to result in an absent or disrupted protein product. Loss-of-function variants in COL7A1 are known to be pathogenic (PMID: 16971478). This variant is not present in population databases (gnomAD no frequency). This variant has not been reported in the literature in individuals affected with COL7A1-related conditions. For these reasons, this variant has been classified as Pathogenic.

Literature cited by the submitters: PubMed 16971478 (cited by Labcorp Genetics (formerly Invitae), Labcorp).